The following is an entry in ClinVar:

ClinVar aggregate classification (germline): Pathogenic (1 of 4 stars; one submission).

Conditions:
Capillary malformation-arteriovenous malformation syndrome. Also called: Capillary malformation-arteriovenous malformation. Identifiers: Orphanet 137667, MedGen C1842180, MONDO:0012016.

Submission:

Labcorp Genetics (formerly Invitae), Labcorp
Classification: Pathogenic for Capillary malformation-arteriovenous malformation syndrome. Last evaluated: 2019-08-07. Review status: criteria provided, single submitter. Criteria: Invitae Variant Classification Sherloc (09022015). Collection method: clinical testing. Allele origin: germline.
Comment: For these reasons, this variant has been classified as Pathogenic. Loss-of-function variants in RASA1 are known to be pathogenic (PMID: 24038909). This variant has not been reported in the literature in individuals with RASA1-related conditions. This variant is not present in population databases (ExAC no frequency). This sequence change creates a premature translational stop signal (p.Tyr801*) in the RASA1 gene. It is expected to result in an absent or disrupted protein product.

Literature cited by the submitters: PubMed 24038909.

NM_002890.3(RASA1):c.2402dup (p.Tyr801Ter)

Genes: CCNH (cyclin H; minus strand), RASA1 (RAS p21 protein activator 1; plus strand). Cytogenetic location: 5q14.3.
Variant type: Duplication.
Coding change: c.2402dup on transcript NM_002890.3 (MANE Select); coding-DNA position 2402, one base duplicated (A; older notation c.2402dupA).
Protein change: p.Tyr801Ter; replaces tyrosine 801 with a stop codon.
Molecular consequence: nonsense. On other transcripts: intron variant (1).
Genome position (GRCh38, 1-based): chr5:87,378,453, A duplicated. VCF-style (leftmost placement, unchanged base first): chr5-87378452-T-TA. GRCh37 (hg19) VCF-style: chr5-86674269-T-TA.
Other names: c.1871dup, p.Tyr624Ter (NM_022650.3); c.933+16591dup (NM_001364075.2); short protein forms Y801*, Y624*.
Identifiers: ClinVar variation 839046 (VCV000839046.9), dbSNP rs1761469547, ClinGen allele CA916082736.